The following is an entry in ClinVar:

NM_000811.3(GABRA6):c.60A>G (p.Lys20=)

Gene: GABRA6 (gamma-aminobutyric acid type A receptor subunit alpha6; plus strand). Cytogenetic location: 5q34.
Variant type: single nucleotide variant.
Coding change: c.60A>G on transcript NM_000811.3 (MANE Select); coding-DNA position 60, A replaced by G.
Protein change: p.Lys20=; no amino-acid change (lysine 20 retained).
Molecular consequence: synonymous variant.
Genome position (GRCh38, 1-based): chr5:161,686,251, A>G. VCF-style: chr5-161686251-A-G. GRCh37 (hg19) VCF-style: chr5-161113257-A-G.
Identifiers: ClinVar variation 715115 (VCV000715115.6), dbSNP rs112717732, ClinGen allele CA3543749.

ClinVar aggregate classification (germline): Benign. Review status: criteria provided, single submitter (1 of 4 stars). 2 submissions from 2 submitters: Benign (1). 1 of the submissions does not count toward it. Last evaluated 2019-12-31.

Conditions:
Childhood absence epilepsy. Identifiers: Orphanet 64280, MedGen C4281785, MONDO:0010826.
GABRA6-related disorder. Also called: GABRA6-related condition.

Allele frequency attached by ClinVar (database versions not stated): gnomAD exomes 0.00017 and 0.00035; ExAC 0.00043; ESP Exome Variant Server 0.00085; TOPMed 0.00094; gnomAD 0.00096; 1000 Genomes Project 30x 0.00125; 1000 Genomes Project 0.00140.
gnomAD v4.1: 399 of 1,613,798 alleles (0.025%); highest among the groups gnomAD compares: African/African-American, 0.28%; 2 homozygotes.

Submissions (2):

Labcorp Genetics (formerly Invitae), Labcorp
Classification: Benign for Childhood absence epilepsy. Last evaluated: 2019-12-31. Review status: criteria provided, single submitter. Criteria: Invitae Variant Classification Sherloc (09022015). Collection method: clinical testing. Allele origin: germline.

PreventionGenetics, part of Exact Sciences
Classification: Likely benign for GABRA6-related condition. Last evaluated: 2020-02-05. Review status: no assertion criteria provided. Collection method: clinical testing. Allele origin: germline. Not counted in ClinVar's aggregate classification.
Comment: This variant is classified as likely benign based on ACMG/AMP sequence variant interpretation guidelines (Richards et al. 2015 PMID: 25741868, with internal and published modifications).